The following is an entry in ClinVar:

NM_000321.3(RB1):c.1500A>C (p.Arg500Ser)

Gene: RB1 (RB transcriptional corepressor 1; plus strand). Cytogenetic location: 13q14.2.
Variant type: single nucleotide variant.
Coding change: c.1500A>C on transcript NM_000321.3 (MANE Select); coding-DNA position 1500, A replaced by C.
Protein change: p.Arg500Ser; replaces arginine 500 with serine.
Molecular consequence: missense variant.
Genome position (GRCh38, 1-based): chr13:48,381,248, A>C. VCF-style: chr13-48381248-A-C. GRCh37 (hg19) VCF-style: chr13-48955384-A-C.
Other names: c.1500A>C (NM_000321.2); short protein forms R500S.
Identifiers: ClinVar variation 1476550 (VCV001476550.9), dbSNP rs1368944270, ClinGen allele CA388163261.

ClinVar aggregate classification (germline): Uncertain significance. Review status: criteria provided, multiple submitters, no conflicts (2 of 4 stars). 2 submissions from 2 submitters: Uncertain significance (2). Last evaluated 2025-06-19.

Conditions:
Hereditary cancer-predisposing syndrome. Also called: Neoplastic Syndromes, Hereditary; Hereditary Cancer Syndrome; Tumor predisposition; Hereditary neoplastic syndrome. Identifiers: Orphanet 140162, MedGen C0027672, MeSH D009386, MONDO:0015356.
Retinoblastoma (RB1). Also called: RETINOBLASTOMA, SOMATIC. Identifiers: Orphanet 790, MedGen C0035335, MeSH D012175, MONDO:0008380, OMIM 180200, HP:0009919. Disease mechanism: loss of function. Inheritance: Both sporadic and heritable forms are tested..

Allele frequency attached by ClinVar (database versions not stated): gnomAD exomes below 0.00001.
gnomAD v4.1: 2 of 1,603,820 alleles (0.00012%); highest among the groups gnomAD compares: Non-Finnish European, 0.00017%; no homozygotes.

Submissions (2):

Labcorp Genetics (formerly Invitae), Labcorp
Classification: Uncertain significance for Retinoblastoma. Last evaluated: 2025-06-19. Review status: criteria provided, single submitter. Criteria: Invitae Variant Classification Sherloc (09022015). Collection method: clinical testing. Allele origin: germline.
Comment: This sequence change replaces arginine, which is basic and polar, with serine, which is neutral and polar, at codon 500 of the RB1 protein (p.Arg500Ser). This variant is not present in population databases (gnomAD no frequency). This variant has not been reported in the literature in individuals affected with RB1-related conditions. ClinVar contains an entry for this variant (Variation ID: 1476550). An algorithm developed to predict the effect of missense changes on protein structure and function (PolyPhen-2) suggests that this variant is likely to be disruptive. In summary, the available evidence is currently insufficient to determine the role of this variant in disease. Therefore, it has been classified as a Variant of Uncertain Significance.

Ambry Genetics
Classification: Uncertain significance for Hereditary cancer-predisposing syndrome. Last evaluated: 2024-08-05. Review status: criteria provided, single submitter. Criteria: Ambry Variant Classification Scheme 2023. Collection method: clinical testing. Allele origin: germline.